The following is an entry in ClinVar:

ClinVar aggregate classification (germline): Likely benign. Review status: criteria provided, multiple submitters, no conflicts (2 of 4 stars). 3 submissions from 3 submitters: Likely benign (3). Last evaluated 2025-03-30.

Conditions:
Aortic aneurysm, familial thoracic 4 (AAT4). Also called: AORTIC ANEURYSM/AORTIC DISSECTION AND PATENT DUCTUS ARTERIOSUS. Identifiers: MedGen C1851504, MONDO:0007568, OMIM 132900.
Familial thoracic aortic aneurysm and aortic dissection (TAAD). Also called: Thoracic aortic aneurysms and dissections. Identifiers: Orphanet 91387, MedGen C4707243, MONDO:0019625.

Allele frequency attached by ClinVar (database versions not stated): TOPMed below 0.00001; ExAC 0.00004.
gnomAD v4.1: 4 of 1,550,490 alleles (0.00026%); highest among the groups gnomAD compares: Non-Finnish European, 0.00035%; no homozygotes.

Submissions (3):

Labcorp Genetics (formerly Invitae), Labcorp
Classification: Likely benign for Aortic aneurysm, familial thoracic 4. Last evaluated: 2025-03-30. Review status: criteria provided, single submitter. Criteria: Invitae Variant Classification Sherloc (09022015). Collection method: clinical testing. Allele origin: germline.

All of Us Research Program, National Institutes of Health
Classification: Likely benign for Familial thoracic aortic aneurysm and aortic dissection. Last evaluated: 2023-11-20. Review status: criteria provided, single submitter. Criteria: ACMG Guidelines, 2015. Collection method: clinical testing. Allele origin: germline. Inheritance: Autosomal dominant inheritance. Observed: 1 variant allele, 1 heterozygote.
Comment: This study involves interpretation of variants in research participants for the purpose of population health screening. Participant phenotype was not available at the time of variant classification. Additional details can be found in publication PMID: 35346344, PMCID: PMC8962531

Color Diagnostics, LLC DBA Color Health
Classification: Likely benign for Familial thoracic aortic aneurysm and aortic dissection. Last evaluated: 2018-11-11. Review status: criteria provided, single submitter. Criteria: ACMG Guidelines, 2015. Collection method: clinical testing. Allele origin: germline.

NM_002474.3(MYH11):c.5172-10C>G

Genes: NDE1 (nudE neurodevelopment protein 1; plus strand), MYH11 (myosin heavy chain 11; minus strand). Cytogenetic location: 16p13.11.
Variant type: single nucleotide variant.
Coding change: c.5172-10C>G on transcript NM_002474.3 (MANE Select); 10 bases into the intron before coding-DNA position 5172, C replaced by G.
Molecular consequence: intron variant.
Genome position (GRCh38, 1-based): chr16:15,718,448, G>C on the plus strand (C>G on the coding strand, the complement: MYH11 is on the minus strand). VCF-style: chr16-15718448-G-C. GRCh37 (hg19) VCF-style: chr16-15812305-G-C.
Other names: c.948-5743G>C (NM_001143979.2, NM_017668.3); c.5172-10C>G (NM_022844.3); c.5193-10C>G (NM_001040114.2, NM_001040113.2).
Identifiers: ClinVar variation 927841 (VCV000927841.10), dbSNP rs757411784, ClinGen allele CA7921375.